The following is an entry in ClinVar:

ClinVar aggregate classification (germline): Uncertain significance (1 of 4 stars; one submission).

Submission:

Ambry Genetics
Classification: Uncertain significance. Last evaluated: 2023-11-10. Review status: criteria provided, single submitter. Criteria: Ambry Variant Classification Scheme 2023. Collection method: clinical testing. Allele origin: germline.
Comment: The p.S819A variant (also known as c.2455T>G), located in coding exon 13 of the NPAT gene, results from a T to G substitution at nucleotide position 2455. The serine at codon 819 is replaced by alanine, an amino acid with similar properties. This amino acid position is conserved. In addition, this alteration is predicted to be tolerated by in silico analysis. Since supporting evidence is limited at this time, the clinical significance of this alteration remains unclear.

NM_002519.3(NPAT):c.2455T>G (p.Ser819Ala)

Gene: NPAT (nuclear protein, coactivator of histone transcription; minus strand). Cytogenetic location: 11q22.3.
Variant type: single nucleotide variant.
Coding change: c.2455T>G on transcript NM_002519.3 (MANE Select); coding-DNA position 2455, T replaced by G.
Protein change: p.Ser819Ala; replaces serine 819 with alanine.
Molecular consequence: missense variant.
Genome position (GRCh38, 1-based): chr11:108,172,529, A>C on the plus strand (T>G on the coding strand, the complement: NPAT is on the minus strand). VCF-style: chr11-108172529-A-C. GRCh37 (hg19) VCF-style: chr11-108043256-A-C.
Other names: c.2455T>G, p.Ser819Ala (NM_001321307.1); short protein forms S819A.
Identifiers: ClinVar variation 3222531 (VCV003222531.1), dbSNP rs2496717161, ClinGen allele CA382512944.